The following is an entry in ClinVar:

NM_015488.5(PNKD):c.326C>T (p.Ser109Leu)

Genes: PNKD (PNKD metallo-beta-lactamase domain containing; plus strand), CATIP-AS2 (CATIP antisense RNA 2; minus strand). Cytogenetic location: 2q35.
Variant type: single nucleotide variant.
Coding change: c.326C>T on transcript NM_015488.5 (MANE Select); coding-DNA position 326, C replaced by T.
Protein change: p.Ser109Leu; replaces serine 109 with leucine.
Molecular consequence: missense variant.
Genome position (GRCh38, 1-based): chr2:218,339,872, C>T. VCF-style: chr2-218339872-C-T. GRCh37 (hg19) VCF-style: chr2-219204595-C-T.
Other names: c.254C>T, p.Ser85Leu (NM_022572.5); short protein forms S109L, S85L.
Identifiers: ClinVar variation 665073 (VCV000665073.10), dbSNP rs985467569, ClinGen allele CA65758866.

ClinVar aggregate classification (germline): Uncertain significance. Review status: criteria provided, multiple submitters, no conflicts (2 of 4 stars). 2 submissions from 2 submitters: Uncertain significance (2). Last evaluated 2026-01-04.

Conditions:
Paroxysmal nonkinesigenic dyskinesia. Also called: Paroxysmal non-kinesigenic dyskinesia. Identifiers: Orphanet 98810, MedGen C1869117, MONDO:0700088.

Allele frequency attached by ClinVar (database versions not stated): gnomAD exomes below 0.00001; gnomAD 0.00001.
gnomAD v4.1: 7 of 1,599,864 alleles (0.00044%); highest among the groups gnomAD compares: African/African-American, 0.0013%; no homozygotes.

Submissions (2):

Labcorp Genetics (formerly Invitae), Labcorp
Classification: Uncertain significance for Paroxysmal nonkinesigenic dyskinesia. Last evaluated: 2026-01-04. Review status: criteria provided, single submitter. Criteria: Invitae Variant Classification Sherloc (09022015). Collection method: clinical testing. Allele origin: germline.
Comment: This sequence change replaces serine, which is neutral and polar, with leucine, which is neutral and non-polar, at codon 109 of the PNKD protein (p.Ser109Leu). The frequency data for this variant in the population databases is considered unreliable, as metrics indicate poor data quality at this position in the gnomAD database. This variant has not been reported in the literature in individuals affected with PNKD-related conditions. ClinVar contains an entry for this variant (Variation ID: 665073). Invitae Evidence Modeling of protein sequence and biophysical properties (such as structural, functional, and spatial information, amino acid conservation, physicochemical variation, residue mobility, and thermodynamic stability) indicates that this missense variant is not expected to disrupt PNKD protein function with a negative predictive value of 80%. In summary, the available evidence is currently insufficient to determine the role of this variant in disease. Therefore, it has been classified as a Variant of Uncertain Significance.

GeneDx
Classification: Uncertain significance. Last evaluated: 2019-09-24. Review status: criteria provided, single submitter. Criteria: GeneDx Variant Classification Process June 2021. Collection method: clinical testing. Allele origin: germline. Affected: yes.
Comment: In silico analysis, which includes protein predictors and evolutionary conservation, supports a deleterious effect; Has not been previously published as pathogenic or benign to our knowledge